The following is an entry in ClinVar:

ClinVar aggregate classification (germline): Uncertain significance. Review status: criteria provided, multiple submitters, no conflicts (2 of 4 stars). 2 submissions from 2 submitters: Uncertain significance (2). Last evaluated 2025-03-25.

Conditions:
Inborn genetic diseases. Identifiers: MedGen C0950123, MeSH D030342.
Nemaline myopathy 6 (NEM6). Also called: Nemaline myopathy 6, autosomal dominant. Identifiers: Orphanet 171439, MedGen C1836472, MONDO:0012237, OMIM 609273.

Allele frequency attached by ClinVar (database versions not stated): gnomAD exomes below 0.00001 and 0.00003; TOPMed below 0.00001; gnomAD 0.00001.

Submissions (2):

Ambry Genetics
Classification: Uncertain significance for Inborn genetic diseases. Last evaluated: 2025-03-25. Review status: criteria provided, single submitter. Criteria: Ambry Variant Classification Scheme 2023. Collection method: clinical testing. Allele origin: germline.

Labcorp Genetics (formerly Invitae), Labcorp
Classification: Uncertain significance for Nemaline myopathy 6. Last evaluated: 2023-06-14. Review status: criteria provided, single submitter. Criteria: Invitae Variant Classification Sherloc (09022015). Collection method: clinical testing. Allele origin: germline.
Comment: This sequence change replaces glycine, which is neutral and non-polar, with valine, which is neutral and non-polar, at codon 449 of the KBTBD13 protein (p.Gly449Val). This variant is present in population databases (no rsID available, gnomAD 0.04%). This variant has not been reported in the literature in individuals affected with KBTBD13-related conditions. ClinVar contains an entry for this variant (Variation ID: 951311). An algorithm developed to predict the effect of missense changes on protein structure and function (PolyPhen-2) suggests that this variant is likely to be tolerated. In summary, the available evidence is currently insufficient to determine the role of this variant in disease. Therefore, it has been classified as a Variant of Uncertain Significance.

NM_001101362.3(KBTBD13):c.1346G>T (p.Gly449Val)

Gene: KBTBD13 (kelch repeat and BTB domain containing 13; plus strand). Cytogenetic location: 15q22.31.
Variant type: single nucleotide variant.
Coding change: c.1346G>T on transcript NM_001101362.3 (MANE Select); coding-DNA position 1346, G replaced by T.
Protein change: p.Gly449Val; replaces glycine 449 with valine.
Molecular consequence: missense variant.
Genome position (GRCh38, 1-based): chr15:65,078,161, G>T. VCF-style: chr15-65078161-G-T. GRCh37 (hg19) VCF-style: chr15-65370499-G-T.
Other names: short protein forms G449V.
Identifiers: ClinVar variation 951311 (VCV000951311.10), dbSNP rs1216666979, ClinGen allele CA392867172.
Genomic context (GRCh38, chr15:65,078,161, plus strand): 5'-GCTTCCCGCGGCCCGGCTCCTTGCAGACCTTTCTCCTAAGGCTGCCTCCTGGCGCTCCTG[G>T]GCCTGTGACTTCGACAACGGCAGAACTGTGACCTCTGGGCTGGCTTTAGGAGGGAGGAGA-3'
Protein context (NP_001094832.1, residues 439-458): FLLRLPPGAP[Gly449Val]PVTSTTAEL